The following is an entry in ClinVar:

NM_198391.3(FLRT3):c.488G>A (p.Arg163His)

Genes: FLRT3 (fibronectin leucine rich transmembrane protein 3; minus strand), MACROD2 (mono-ADP ribosylhydrolase 2; plus strand). Cytogenetic location: 20p12.1.
Variant type: single nucleotide variant.
Coding change: c.488G>A on transcript NM_198391.3 (MANE Select); coding-DNA position 488, G replaced by A.
Protein change: p.Arg163His; replaces arginine 163 with histidine.
Molecular consequence: missense variant. On other transcripts: intron variant (3).
Genome position (GRCh38, 1-based): chr20:14,327,019, C>T on the plus strand (G>A on the coding strand, the complement: FLRT3 is on the minus strand). VCF-style: chr20-14327019-C-T. GRCh37 (hg19) VCF-style: chr20-14307665-C-T.
Other names: c.488G>A, p.Arg163His (NM_013281.4); c.272-166460C>T (NM_001351661.2, NM_001351663.2, NM_080676.6); short protein forms R163H.
Identifiers: ClinVar variation 4537180 (VCV004537180.1).

ClinVar aggregate classification (germline): Uncertain significance (1 of 4 stars; one submission).

gnomAD v4.1: 40 of 1,613,636 alleles (0.0025%); highest among the groups gnomAD compares: Admixed American, 0.022%; no homozygotes.

Submission:

Women's Health and Genetics/Laboratory Corporation of America, LabCorp
Classification: Uncertain significance. Last evaluated: 2025-11-25. Review status: criteria provided, single submitter. Criteria: LabCorp Variant Classification Summary - May 2015. Collection method: clinical testing. Allele origin: germline.
Comment: Variant summary: FLRT3 c.488G>A (p.Arg163His) results in a non-conservative amino acid change in the encoded protein sequence. Algorithms developed to predict the effect of missense changes on protein structure and function are either unavailable or do not agree on the potential impact of this missense change. The variant allele was found at a frequency of 7.6e-05 in 250216 control chromosomes, predominantly at a frequency of 0.00041 within the Latino subpopulation in the gnomAD database v2. This frequency is not significantly higher than estimated for disease-causing variants in FLRT3, allowing no conclusion about variant significance. However a total of 40 heterozygotes of this variant was observed in the gnomAD v4 database. To our knowledge, no occurrence of c.488G>A in individuals affected with FLRT3-related conditions and no experimental evidence demonstrating its impact on protein function have been reported. No submitters have cited clinical-significance assessments for this variant to ClinVar. Based on the evidence outlined above, the variant was classified as VUS-possibly benign.